The following is an entry in ClinVar:

ClinVar aggregate classification (germline): Conflicting classifications of pathogenicity. Review status: criteria provided, conflicting classifications (1 of 4 stars). 3 submissions from 3 submitters: Uncertain significance (1); Benign (1); Likely benign (1). Last evaluated 2026-09-01.

Conditions:
Isolated focal non-epidermolytic palmoplantar keratoderma. Also called: Palmoplantar keratoderma, nonepidermolytic, focal 2. Identifiers: Orphanet 448264, MedGen C4225339, MONDO:0014622, OMIM 616400.

Allele frequency attached by ClinVar (database versions not stated): gnomAD exomes 0.00007; ExAC 0.00015; ESP Exome Variant Server 0.00016; TOPMed 0.00017.
gnomAD v4.1: 279 of 1,553,812 alleles (0.018%); highest among the groups gnomAD compares: Non-Finnish European, 0.023%; no homozygotes.

Submissions (3):

CeGaT Center for Human Genetics Tuebingen
Classification: Likely benign. Last evaluated: 2026-09-01. Review status: criteria provided, single submitter. Criteria: CeGaT Center For Human Genetics Tuebingen Variant Classification Criteria Version 2. Collection method: clinical testing. Allele origin: germline. Affected: yes. Observed: 1 variant allele.
Comment: TRPV3: BS2

Labcorp Genetics (formerly Invitae), Labcorp
Classification: Uncertain significance. Last evaluated: 2025-04-21. Review status: criteria provided, single submitter. Criteria: Invitae Variant Classification Sherloc (09022015). Collection method: clinical testing. Allele origin: germline.
Comment: This sequence change replaces arginine, which is basic and polar, with histidine, which is basic and polar, at codon 693 of the TRPV3 protein (p.Arg693His). This variant is present in population databases (rs201062148, gnomAD 0.02%). This variant has not been reported in the literature in individuals affected with TRPV3-related conditions. ClinVar contains an entry for this variant (Variation ID: 890515). Invitae Evidence Modeling of protein sequence and biophysical properties (such as structural, functional, and spatial information, amino acid conservation, physicochemical variation, residue mobility, and thermodynamic stability) indicates that this missense variant is not expected to disrupt TRPV3 protein function with a negative predictive value of 95%. In summary, the available evidence is currently insufficient to determine the role of this variant in disease. Therefore, it has been classified as a Variant of Uncertain Significance.

Illumina Laboratory Services, Illumina
Classification: Benign for Isolated focal non-epidermolytic palmoplantar keratoderma. Last evaluated: 2018-01-13. Review status: criteria provided, single submitter. Criteria: ICSL Variant Classification Criteria 13 December 2019. Collection method: clinical testing. Allele origin: germline.
Comment: This variant was observed in the ICSL laboratory as part of a predisposition screen in an ostensibly healthy population. It had not been previously curated by ICSL or reported in the Human Gene Mutation Database (HGMD: prior to June 1st, 2018), and was therefore a candidate for classification through an automated scoring system. Utilizing variant allele frequency, disease prevalence and penetrance estimates, and inheritance mode, an automated score was calculated to assess if this variant is too frequent to cause the disease. Based on the score and internal cut-off values, a variant classified as benign is not then subjected to further curation. The score for this variant resulted in a classification of benign for this disease.

NM_145068.4(TRPV3):c.2078G>A (p.Arg693His)

Gene: TRPV3 (transient receptor potential cation channel subfamily V member 3; minus strand). Cytogenetic location: 17p13.2.
Variant type: single nucleotide variant.
Coding change: c.2078G>A on transcript NM_145068.4 (MANE Select); coding-DNA position 2078, G replaced by A.
Protein change: p.Arg693His; replaces arginine 693 with histidine.
Molecular consequence: missense variant.
Genome position (GRCh38, 1-based): chr17:3,518,583, C>T on the plus strand (G>A on the coding strand, the complement: TRPV3 is on the minus strand). VCF-style: chr17-3518583-C-T. GRCh37 (hg19) VCF-style: chr17-3421877-C-T.
Other names: c.2078G>A, p.Arg693His (NM_001258205.2); short protein forms R693H.
Identifiers: ClinVar variation 890515 (VCV000890515.10), dbSNP rs201062148, ClinGen allele CA8289233.
Genomic context (GRCh38, chr17:3,518,583, plus strand): 5'-GCTGAACTGAGTCCCGTGGAGGCCCCCACGCTGGGGTCTCCACCTAGGCTCACCTGCAGG[C>T]GCCAGATGCGTTCGCTCTCCTTGGAGACGTTCTCCACAGTCTCGCCCATCAGAGCAATGA-3'
Protein context (NP_659505.1, residues 683-703): NVSKESERIW[Arg693His]LQRARTILEF